The following is an entry in ClinVar:

ClinVar aggregate classification (germline): Uncertain significance (1 of 4 stars; one submission).

Submission:

Labcorp Genetics (formerly Invitae), Labcorp
Classification: Uncertain significance. Last evaluated: 2025-08-27. Review status: criteria provided, single submitter. Criteria: Invitae Variant Classification Sherloc (09022015). Collection method: clinical testing. Allele origin: germline.
Comment: This sequence change replaces valine, which is neutral and non-polar, with isoleucine, which is neutral and non-polar, at codon 481 of the ZNF143 protein (p.Val481Ile). This variant is present in population databases (rs150012207, gnomAD 0.02%). This variant has not been reported in the literature in individuals affected with ZNF143-related conditions. ClinVar contains an entry for this variant (Variation ID: 3708855). An algorithm developed to predict the effect of missense changes on protein structure and function outputs the following: PolyPhen-2: "Benign". The isoleucine amino acid residue is found in multiple mammalian species, which suggests that this missense change does not adversely affect protein function. In summary, the available evidence is currently insufficient to determine the role of this variant in disease. Therefore, it has been classified as a Variant of Uncertain Significance.

NM_003442.6(ZNF143):c.1441G>A (p.Val481Ile)

Gene: ZNF143 (zinc finger protein 143; plus strand). Cytogenetic location: 11p15.4.
Variant type: single nucleotide variant.
Coding change: c.1441G>A on transcript NM_003442.6 (MANE Select); coding-DNA position 1441, G replaced by A.
Protein change: p.Val481Ile; replaces valine 481 with isoleucine.
Molecular consequence: missense variant.
Genome position (GRCh38, 1-based): chr11:9,512,513, G>A. VCF-style: chr11-9512513-G-A. GRCh37 (hg19) VCF-style: chr11-9534060-G-A.
Other names: c.1438G>A, p.Val480Ile (NM_001282656.2); c.1348G>A, p.Val450Ile (NM_001282657.2); short protein forms V450I, V481I, V480I.
Identifiers: ClinVar variation 3708855 (VCV003708855.2).